The following is an entry in ClinVar:

NM_005909.5(MAP1B):c.621A>G (p.Gln207=)

Gene: MAP1B (microtubule associated protein 1B; plus strand). Cytogenetic location: 5q13.2.
Variant type: single nucleotide variant.
Coding change: c.621A>G on transcript NM_005909.5 (MANE Select); coding-DNA position 621, A replaced by G.
Protein change: p.Gln207=; no amino-acid change (glutamine 207 retained).
Molecular consequence: synonymous variant.
Genome position (GRCh38, 1-based): chr5:72,193,976, A>G. VCF-style: chr5-72193976-A-G. GRCh37 (hg19) VCF-style: chr5-71489803-A-G.
Other names: c.243A>G, p.Gln81= (NM_001324255.2).
Identifiers: ClinVar variation 714481 (VCV000714481.7), dbSNP rs145067631, ClinGen allele CA3298564.
Genomic context (GRCh38, chr5:72,193,976, plus strand): 5'-CCTGTTCTGTCCTGAAGAAGGGGACTGGAAGAACTCCAATCTTGACAGACACAATCTCCA[A>G]GACTTCATCAATATTAAACTCAATTCAGCTTCTATCTTGCCAGAAATGGAAGGACTTTCT-3'
Protein context (NP_005900.2, residues 197-217): KNSNLDRHNL[Gln207=]DFINIKLNSA

ClinVar aggregate classification (germline): Benign/Likely benign. Review status: criteria provided, multiple submitters, no conflicts (2 of 4 stars). 3 submissions from 3 submitters: Benign (1); Likely benign (1). 1 of the submissions does not count toward it. Last evaluated 2026-09-01.

Conditions:
MAP1B-related disorder. Also called: MAP1B-related condition.

Allele frequency attached by ClinVar (database versions not stated): ESP Exome Variant Server 0.00008; gnomAD exomes 0.00017 and 0.00045; gnomAD 0.00018 and 0.00023; TOPMed 0.00031; ExAC 0.00040; 1000 Genomes Project 30x 0.00078; 1000 Genomes Project 0.00080.
gnomAD v4.1: 294 of 1,614,188 alleles (0.018%); highest among the groups gnomAD compares: East Asian, 0.56%; no homozygotes.

Submissions (3):

CeGaT Center for Human Genetics Tuebingen
Classification: Likely benign. Last evaluated: 2026-09-01. Review status: criteria provided, single submitter. Criteria: CeGaT Center For Human Genetics Tuebingen Variant Classification Criteria Version 2. Collection method: clinical testing. Allele origin: germline. Affected: yes. Observed: 1 variant allele.
Comment: MAP1B: BP4, BS1

Labcorp Genetics (formerly Invitae), Labcorp
Classification: Benign. Last evaluated: 2019-12-31. Review status: criteria provided, single submitter. Criteria: Invitae Variant Classification Sherloc (09022015). Collection method: clinical testing. Allele origin: germline.

PreventionGenetics, part of Exact Sciences
Classification: Likely benign for MAP1B-related condition. Last evaluated: 2024-03-24. Review status: no assertion criteria provided. Collection method: clinical testing. Allele origin: germline. Not counted in ClinVar's aggregate classification.
Comment: This variant is classified as likely benign based on ACMG/AMP sequence variant interpretation guidelines (Richards et al. 2015 PMID: 25741868, with internal and published modifications).